The following is an entry in ClinVar:

ClinVar aggregate classification (germline): Uncertain significance (1 of 4 stars; one submission).

Conditions:
Cornelia de Lange syndrome 3 (CDLS3). Also called: SMC3-Related Cornelia de Lange Syndrome; CORNELIA DE LANGE SYNDROME 3 WITH OR WITHOUT MIDLINE BRAIN DEFECTS. Identifiers: Orphanet 199, MedGen C1853099, MONDO:0012555, OMIM 610759.

gnomAD v4.1: 23 of 1,613,960 alleles (0.0014%); highest among the groups gnomAD compares: East Asian, 0.0022%; no homozygotes.

Submission:

Labcorp Genetics (formerly Invitae), Labcorp
Classification: Uncertain significance for Cornelia de Lange syndrome 3. Last evaluated: 2024-08-02. Review status: criteria provided, single submitter. Criteria: Invitae Variant Classification Sherloc (09022015). Collection method: clinical testing. Allele origin: germline.
Comment: This sequence change replaces arginine, which is basic and polar, with histidine, which is basic and polar, at codon 520 of the SMC3 protein (p.Arg520His). This variant is present in population databases (no rsID available, gnomAD 0.002%). This variant has not been reported in the literature in individuals affected with SMC3-related conditions. An algorithm developed to predict the effect of missense changes on protein structure and function (PolyPhen-2) suggests that this variant is likely to be disruptive. In summary, the available evidence is currently insufficient to determine the role of this variant in disease. Therefore, it has been classified as a Variant of Uncertain Significance.

NM_005445.4(SMC3):c.1559G>A (p.Arg520His)

Gene: SMC3 (structural maintenance of chromosomes 3; plus strand). Cytogenetic location: 10q25.2.
Variant type: single nucleotide variant.
Coding change: c.1559G>A on transcript NM_005445.4 (MANE Select); coding-DNA position 1559, G replaced by A.
Protein change: p.Arg520His; replaces arginine 520 with histidine.
Molecular consequence: missense variant.
Genome position (GRCh38, 1-based): chr10:110,590,461, G>A. VCF-style: chr10-110590461-G-A. GRCh37 (hg19) VCF-style: chr10-112350219-G-A.
Other names: short protein forms R520H.
Identifiers: ClinVar variation 3713551 (VCV003713551.2).